The following is an entry in ClinVar:

NM_005228.5(EGFR):c.914G>A (p.Gly305Asp)

Gene: EGFR (epidermal growth factor receptor; plus strand). Cytogenetic location: 7p11.2.
Variant type: single nucleotide variant.
Coding change: c.914G>A on transcript NM_005228.5 (MANE Select); coding-DNA position 914, G replaced by A.
Protein change: p.Gly305Asp; replaces glycine 305 with aspartic acid.
Molecular consequence: missense variant.
Genome position (GRCh38, 1-based): chr7:55,155,854, G>A. VCF-style: chr7-55155854-G-A. GRCh37 (hg19) VCF-style: chr7-55223547-G-A.
Other names: c.779G>A, p.Gly260Asp (NM_001346897.2, NM_001346899.2); c.914G>A, p.Gly305Asp (NM_001346898.2, NM_201282.2, NM_201283.2 and 1 more transcripts); c.755G>A, p.Gly252Asp (NM_001346900.2); c.113G>A, p.Gly38Asp (NM_001346941.2); short protein forms G305D, G38D, G252D, G260D.
Identifiers: ClinVar variation 959122 (VCV000959122.9), dbSNP rs1785383686, ClinGen allele CA367577967.

ClinVar aggregate classification (germline): Uncertain significance (1 of 4 stars; one submission).

Conditions:
EGFR-related lung cancer (EGFR). Identifiers: MedGen CN130014.

Allele frequency attached by ClinVar (database versions not stated): TOPMed below 0.00001.

Submission:

Labcorp Genetics (formerly Invitae), Labcorp
Classification: Uncertain significance for EGFR-related lung cancer. Last evaluated: 2019-09-19. Review status: criteria provided, single submitter. Criteria: Invitae Variant Classification Sherloc (09022015). Collection method: clinical testing. Allele origin: germline.
Comment: This sequence change replaces glycine with aspartic acid at codon 305 of the EGFR protein (p.Gly305Asp). The glycine residue is highly conserved and there is a moderate physicochemical difference between glycine and aspartic acid. This variant is not present in population databases (ExAC no frequency). In summary, the available evidence is currently insufficient to determine the role of this variant in disease. Therefore, it has been classified as a Variant of Uncertain Significance. Algorithms developed to predict the effect of missense changes on protein structure and function are either unavailable or do not agree on the potential impact of this missense change (SIFT: "Tolerated"; PolyPhen-2: "Probably Damaging"; Align-GVGD: "Class C0"). This variant has not been reported in the literature in individuals with EGFR-related conditions.